The following is an entry in ClinVar:

ClinVar aggregate classification (germline): Uncertain significance (1 of 4 stars; one submission).

Conditions:
Distal hereditary motor neuropathy type 2. Identifiers: Orphanet 139525, MedGen C3711384, MeSH C580044, MONDO:0015352.

gnomAD v4.1: 2 of 1,614,210 alleles (0.00012%); highest among the groups gnomAD compares: Middle Eastern, 0.033%; no homozygotes.

Submission:

Labcorp Genetics (formerly Invitae), Labcorp
Classification: Uncertain significance for Distal hereditary motor neuropathy type 2. Last evaluated: 2024-10-31. Review status: criteria provided, single submitter. Criteria: Invitae Variant Classification Sherloc (09022015). Collection method: clinical testing. Allele origin: germline.
Comment: This sequence change replaces valine, which is neutral and non-polar, with methionine, which is neutral and non-polar, at codon 746 of the FBXO38 protein (p.Val746Met). This variant is not present in population databases (gnomAD no frequency). This variant has not been reported in the literature in individuals affected with FBXO38-related conditions. Invitae Evidence Modeling of protein sequence and biophysical properties (such as structural, functional, and spatial information, amino acid conservation, physicochemical variation, residue mobility, and thermodynamic stability) indicates that this missense variant is not expected to disrupt FBXO38 protein function with a negative predictive value of 80%. In summary, the available evidence is currently insufficient to determine the role of this variant in disease. Therefore, it has been classified as a Variant of Uncertain Significance.

NM_205836.3(FBXO38):c.2236G>A (p.Val746Met)

Gene: FBXO38 (F-box protein 38; plus strand). Cytogenetic location: 5q32.
Variant type: single nucleotide variant.
Coding change: c.2236G>A on transcript NM_205836.3 (MANE Select); coding-DNA position 2236, G replaced by A.
Protein change: p.Val746Met; replaces valine 746 with methionine.
Molecular consequence: missense variant. On other transcripts: intron variant (1).
Genome position (GRCh38, 1-based): chr5:148,427,530, G>A. VCF-style: chr5-148427530-G-A. GRCh37 (hg19) VCF-style: chr5-147807093-G-A.
Other names: c.2236G>A, p.Val746Met (NM_030793.5); c.1918+1829G>A (NM_001271723.2); short protein forms V746M.
Identifiers: ClinVar variation 3611135 (VCV003611135.2).